The following is an entry in ClinVar:

ClinVar aggregate classification (germline): Uncertain significance (1 of 4 stars; one submission).

Conditions:
Immunodeficiency 23 (IMD23). Also called: IMMUNODEFICIENCY WITH HYPER IgE AND COGNITIVE IMPAIRMENT; IMMUNODEFICIENCY-VASCULITIS-MYOCLONUS SYNDROME. Identifiers: Orphanet 443811, MedGen C4014371, MONDO:0014353, OMIM 615816.

Allele frequency attached by ClinVar (database versions not stated): TOPMed below 0.00001; gnomAD exomes 0.00001.
gnomAD v4.1: 11 of 1,609,646 alleles (0.00068%); highest among the groups gnomAD compares: African/African-American, 0.0013%; no homozygotes.

Submission:

Labcorp Genetics (formerly Invitae), Labcorp
Classification: Uncertain significance for Immunodeficiency 23. Last evaluated: 2022-01-11. Review status: criteria provided, single submitter. Criteria: Invitae Variant Classification Sherloc (09022015). Collection method: clinical testing. Allele origin: germline.
Comment: This sequence change replaces aspartic acid, which is acidic and polar, with glutamic acid, which is acidic and polar, at codon 424 of the PGM3 protein (p.Asp424Glu). This variant is not present in population databases (gnomAD no frequency). This variant has not been reported in the literature in individuals affected with PGM3-related conditions. Algorithms developed to predict the effect of missense changes on protein structure and function output the following: SIFT: "Tolerated"; PolyPhen-2: "Benign"; Align-GVGD: "Class C0". The glutamic acid amino acid residue is found in multiple mammalian species, which suggests that this missense change does not adversely affect protein function. In summary, the available evidence is currently insufficient to determine the role of this variant in disease. Therefore, it has been classified as a Variant of Uncertain Significance.

NM_015599.3(PGM3):c.1188T>A (p.Asp396Glu)

Gene: PGM3 (phosphoglucomutase 3; minus strand). Cytogenetic location: 6q14.1.
Variant type: single nucleotide variant.
Coding change: c.1188T>A on transcript NM_015599.3 (MANE Select); coding-DNA position 1188, T replaced by A.
Protein change: p.Asp396Glu; replaces aspartic acid 396 with glutamic acid.
Molecular consequence: missense variant. On other transcripts: non-coding transcript variant (1).
Genome position (GRCh38, 1-based): chr6:83,174,428, A>T on the plus strand (T>A on the coding strand, the complement: PGM3 is on the minus strand). VCF-style: chr6-83174428-A-T. GRCh37 (hg19) VCF-style: chr6-83884147-A-T.
Other names: c.1272T>A, p.Asp424Glu (NM_001199917.2, NM_001367287.1); c.945T>A, p.Asp315Glu (NM_001199918.2); c.1188T>A, p.Asp396Glu (NM_001199919.2, NM_001367286.1); short protein forms D396E, D315E, D424E.
Identifiers: ClinVar variation 1987412 (VCV001987412.1), dbSNP rs1787597946, ClinGen allele CA364879917.